The following is an entry in ClinVar:

NM_015512.5(DNAH1):c.11063A>G (p.Tyr3688Cys)

Gene: DNAH1 (dynein axonemal heavy chain 1; plus strand). Cytogenetic location: 3p21.1.
Variant type: single nucleotide variant.
Coding change: c.11063A>G on transcript NM_015512.5 (MANE Select); coding-DNA position 11063, A replaced by G.
Protein change: p.Tyr3688Cys; replaces tyrosine 3688 with cysteine.
Molecular consequence: missense variant.
Genome position (GRCh38, 1-based): chr3:52,395,402, A>G. VCF-style: chr3-52395402-A-G. GRCh37 (hg19) VCF-style: chr3-52429418-A-G.
Other names: short protein forms Y3688C.
Identifiers: ClinVar variation 662165 (VCV000662165.5), dbSNP rs369995851, ClinGen allele CA2436048.

ClinVar aggregate classification (germline): Uncertain significance. Review status: criteria provided, multiple submitters, no conflicts (2 of 4 stars). 3 submissions from 3 submitters: Uncertain significance (3). Last evaluated 2022-07-24.

Conditions:
Ciliary dyskinesia, primary, 37 (CILD37). Also called: CILIARY DYSKINESIA, PRIMARY, 37, WITH OR WITHOUT SITUS INVERSUS. Identifiers: MedGen C4539798, MONDO:0033204, OMIM 617577.
Spermatogenic failure 18. Identifiers: MedGen C4539783, MONDO:0054615, OMIM 617576.

Allele frequency attached by ClinVar (database versions not stated): gnomAD 0.00001; ExAC 0.00002; gnomAD exomes 0.00002; TOPMed 0.00002; ESP Exome Variant Server 0.00008.
gnomAD v4.1: 35 of 1,613,660 alleles (0.0022%); highest among the groups gnomAD compares: Middle Eastern, 0.15%; no homozygotes.

Submissions (3):

Labcorp Genetics (formerly Invitae), Labcorp
Classification: Uncertain significance for Ciliary dyskinesia, primary, 37; Spermatogenic failure 18. Last evaluated: 2022-07-24. Review status: criteria provided, single submitter. Criteria: Invitae Variant Classification Sherloc (09022015). Collection method: clinical testing. Allele origin: germline.
Comment: This sequence change replaces tyrosine, which is neutral and polar, with cysteine, which is neutral and slightly polar, at codon 3688 of the DNAH1 protein (p.Tyr3688Cys). This variant is present in population databases (rs369995851, gnomAD 0.009%). This variant has not been reported in the literature in individuals affected with DNAH1-related conditions. ClinVar contains an entry for this variant (Variation ID: 662165). Algorithms developed to predict the effect of missense changes on protein structure and function are either unavailable or do not agree on the potential impact of this missense change (SIFT: "Deleterious"; PolyPhen-2: "Probably Damaging"; Align-GVGD: "Class C0"). In summary, the available evidence is currently insufficient to determine the role of this variant in disease. Therefore, it has been classified as a Variant of Uncertain Significance.

Baylor Genetics
Classification: Uncertain significance for Ciliary dyskinesia, primary, 37. Last evaluated: 2020-05-05. Review status: criteria provided, single submitter. Criteria: ACMG Guidelines, 2015. Collection method: clinical testing. Allele origin: unknown. Affected: yes.
Comment: This variant was determined to be of uncertain significance according to ACMG Guidelines, 2015 [PMID:25741868].

Breakthrough Genomics
Classification: Uncertain significance. Review status: criteria provided, single submitter. Criteria: ACMG Guidelines, 2015. Collection method: not provided. Allele origin: germline. Inheritance: Autosomal recessive inheritance. Affected: yes.